The following is an entry in ClinVar:

ClinVar aggregate classification (germline): Uncertain significance (1 of 4 stars; one submission).

Conditions:
Congenital myasthenic syndrome 8. Also called: Myasthenic syndrome, congenital, 8, with pre- and postsynaptic defects; MYASTHENIC SYNDROME, CONGENITAL, DUE TO AGRIN DEFICIENCY. Identifiers: Orphanet 590, MedGen C3808739, MONDO:0014052, OMIM 615120.

Submission:

Labcorp Genetics (formerly Invitae), Labcorp
Classification: Uncertain significance for Myasthenic syndrome, congenital, 8. Last evaluated: 2019-08-13. Review status: criteria provided, single submitter. Criteria: Invitae Variant Classification Sherloc (09022015). Collection method: clinical testing. Allele origin: germline.
Comment: This variant results in a copy number gain of the genomic region encompassing the full coding sequence of the AGRN gene. The boundaries of this event are unknown as they extend beyond the assayed region for this gene and therefore may encompass additional genes. As the precise location of this event is unknown, it may be in tandem or it may be located elsewhere in the genome. This variant has not been reported in the literature in individuals with AGRN-related conditions. In summary, the available evidence is currently insufficient to determine the role of this variant in disease. Therefore, it has been classified as a Variant of Uncertain Significance.

NC_000001.11:g.(?_1020163)_(1054991_?)dup

Gene: AGRN (agrin; plus strand). Cytogenetic location: 1p36.33.
Variant type: Duplication.
Identifiers: ClinVar variation 832927 (VCV000832927.2).